The following is an entry in ClinVar:

NM_007129.5(ZIC2):c.143G>A (p.Gly48Asp)

Gene: ZIC2 (Zic family zinc finger 2; plus strand). Cytogenetic location: 13q32.3.
Variant type: single nucleotide variant.
Coding change: c.143G>A on transcript NM_007129.5 (MANE Select); coding-DNA position 143, G replaced by A.
Protein change: p.Gly48Asp; replaces glycine 48 with aspartic acid.
Molecular consequence: missense variant.
Genome position (GRCh38, 1-based): chr13:99,982,207, G>A. VCF-style: chr13-99982207-G-A. GRCh37 (hg19) VCF-style: chr13-100634461-G-A.
Other names: short protein forms G48D.
Identifiers: ClinVar variation 1365371 (VCV001365371.6), dbSNP rs771466003, ClinGen allele CA7032785.
Genomic context (GRCh38, chr13:99,982,207, plus strand): 5'-CGGCGGCGGCTGCCGCCGAGATGCAGGACCGTGAACTGAGCCTGGCGGCGGCGCAGAACG[G>A]CTTCGTTGACTCCGCCGCCGCGCACATGGGAGCCTTCAAGCTCAACCCGGGCGCGCACGA-3'
Protein context (NP_009060.2, residues 38-58): RELSLAAAQN[Gly48Asp]FVDSAAAHMG

ClinVar aggregate classification (germline): Uncertain significance (1 of 4 stars; one submission).

Conditions:
Holoprosencephaly 5 (HPE5). Identifiers: Orphanet 2162, MedGen C1864827, MONDO:0012322, OMIM 609637.

Allele frequency attached by ClinVar (database versions not stated): TOPMed 0.00001; ExAC 0.00003.

Submission:

Labcorp Genetics (formerly Invitae), Labcorp
Classification: Uncertain significance for Holoprosencephaly 5. Last evaluated: 2022-06-28. Review status: criteria provided, single submitter. Criteria: Invitae Variant Classification Sherloc (09022015). Collection method: clinical testing. Allele origin: germline.
Comment: In summary, the available evidence is currently insufficient to determine the role of this variant in disease. Therefore, it has been classified as a Variant of Uncertain Significance. Algorithms developed to predict the effect of missense changes on protein structure and function are either unavailable or do not agree on the potential impact of this missense change (SIFT: "Deleterious"; PolyPhen-2: "Benign"; Align-GVGD: "Class C0"). This variant has not been reported in the literature in individuals affected with ZIC2-related conditions. The frequency data for this variant in the population databases is considered unreliable, as metrics indicate poor data quality at this position in the gnomAD database. This sequence change replaces glycine, which is neutral and non-polar, with aspartic acid, which is acidic and polar, at codon 48 of the ZIC2 protein (p.Gly48Asp).